The following is an entry in ClinVar:

NM_004655.4(AXIN2):c.1103C>G (p.Ala368Gly)

Gene: AXIN2 (axin 2; minus strand). Cytogenetic location: 17q24.1.
Variant type: single nucleotide variant.
Coding change: c.1103C>G on transcript NM_004655.4 (MANE Select); coding-DNA position 1103, C replaced by G.
Protein change: p.Ala368Gly; replaces alanine 368 with glycine.
Molecular consequence: missense variant.
Genome position (GRCh38, 1-based): chr17:65,538,300, G>C on the plus strand (C>G on the coding strand, the complement: AXIN2 is on the minus strand). VCF-style: chr17-65538300-G-C. GRCh37 (hg19) VCF-style: chr17-63534418-G-C.
Other names: c.1103C>G, p.Ala368Gly (NM_001363813.1); short protein forms A368G.
Identifiers: ClinVar variation 1793002 (VCV001793002.10), dbSNP rs1480983759, ClinGen allele CA400678465.
Genomic context (GRCh38, chr17:65,538,300, plus strand): 5'-CGGCTCTCCAACTCCAGCTTCAGCTTTTCCAGCCTCGAGATCAGCTCAGCTGCAAAGGTG[G>C]CGGGTTCCACGGGGGTCATCTCCTTGGGCAGGCGGTGGGTTCTCTACAGGACGTGGAAAG-3'
Protein context (NP_004646.3, residues 358-378): LPKEMTPVEP[Ala368Gly]TFAAELISRL

ClinVar aggregate classification (germline): Uncertain significance. Review status: criteria provided, multiple submitters, no conflicts (2 of 4 stars). 3 submissions from 3 submitters: Uncertain significance (3). Last evaluated 2025-03-04.

Conditions:
Hereditary cancer-predisposing syndrome. Also called: Tumor predisposition; Hereditary Cancer Syndrome; Neoplastic Syndromes, Hereditary; Hereditary neoplastic syndrome. Identifiers: Orphanet 140162, MedGen C0027672, MeSH D009386, MONDO:0015356.
Oligodontia-cancer predisposition syndrome. Also called: TOOTH AGENESIS-COLORECTAL CANCER SYNDROME. Identifiers: Orphanet 300576, MedGen C1837750, MONDO:0012075, OMIM 608615. Disease mechanism: loss of function.

gnomAD v4.1: 5 of 1,614,222 alleles (0.00031%); highest among the groups gnomAD compares: Non-Finnish European, 0.00034%; no homozygotes.

Submissions (3):

Center for Genomic Medicine, Rigshospitalet, Copenhagen University Hospital
Classification: Uncertain significance. Last evaluated: 2025-03-04. Review status: criteria provided, single submitter. Criteria: ACMG Guidelines, 2015. Collection method: clinical testing. Allele origin: germline.

Ambry Genetics
Classification: Uncertain significance for Hereditary cancer-predisposing syndrome. Last evaluated: 2024-04-24. Review status: criteria provided, single submitter. Criteria: Ambry Variant Classification Scheme 2023. Collection method: clinical testing. Allele origin: germline.
Comment: The p.A368G variant (also known as c.1103C>G), located in coding exon 4 of the AXIN2 gene, results from a C to G substitution at nucleotide position 1103. The alanine at codon 368 is replaced by glycine, an amino acid with similar properties. This amino acid position is well conserved in available vertebrate species. In addition, this alteration is predicted to be tolerated by in silico analysis. Based on the available evidence, the clinical significance of this variant remains unclear.

Labcorp Genetics (formerly Invitae), Labcorp
Classification: Uncertain significance for Oligodontia-cancer predisposition syndrome. Last evaluated: 2022-09-25. Review status: criteria provided, single submitter. Criteria: Invitae Variant Classification Sherloc (09022015). Collection method: clinical testing. Allele origin: germline.
Comment: This sequence change replaces alanine, which is neutral and non-polar, with glycine, which is neutral and non-polar, at codon 368 of the AXIN2 protein (p.Ala368Gly). This variant is present in population databases (no rsID available, gnomAD 0.01%). This variant has not been reported in the literature in individuals affected with AXIN2-related conditions. Advanced modeling of protein sequence and biophysical properties (such as structural, functional, and spatial information, amino acid conservation, physicochemical variation, residue mobility, and thermodynamic stability) has been performed at Invitae for this missense variant, however the output from this modeling did not meet the statistical confidence thresholds required to predict the impact of this variant on AXIN2 protein function. In summary, the available evidence is currently insufficient to determine the role of this variant in disease. Therefore, it has been classified as a Variant of Uncertain Significance.